The following is an entry in ClinVar:

NM_182961.4(SYNE1):c.17533G>A (p.Val5845Met)

Genes: SYNE1 (spectrin repeat containing nuclear envelope protein 1; minus strand), LOC129997480 (ATAC-STARR-seq lymphoblastoid active region 25287; plus strand). Cytogenetic location: 6q25.2.
Variant type: single nucleotide variant.
Coding change: c.17533G>A on transcript NM_182961.4 (MANE Select); coding-DNA position 17533, G replaced by A.
Protein change: p.Val5845Met; replaces valine 5845 with methionine.
Molecular consequence: missense variant.
Genome position (GRCh38, 1-based): chr6:152,301,877, C>T on the plus strand (G>A on the coding strand, the complement: SYNE1 is on the minus strand). VCF-style: chr6-152301877-C-T. GRCh37 (hg19) VCF-style: chr6-152623012-C-T.
Other names: c.17320G>A, p.Val5774Met (NM_033071.5); short protein forms V5845M, V5774M.
Identifiers: ClinVar variation 290203 (VCV000290203.11), dbSNP rs535699185, ClinGen allele CA4055211.

ClinVar aggregate classification (germline): Conflicting classifications of pathogenicity. Review status: criteria provided, conflicting classifications (1 of 4 stars). 6 submissions from 6 submitters: Uncertain significance (5); Likely benign (1). Last evaluated 2025-12-30.

Conditions:
SYNE1-related disorder. Also called: SYNE1-related disorders; SYNE1-related disease; SYNE1-related condition.
Emery-Dreifuss muscular dystrophy 4, autosomal dominant (EDMD4). Also called: EMERY-DREIFUSS MUSCULAR DYSTROPHY 4 WITH VARIABLE FEATURES. Identifiers: Orphanet 261, MedGen C2751807, MONDO:0013071, OMIM 612998.
Autosomal recessive ataxia, Beauce type. Also called: Spinocerebellar ataxia, autosomal recessive 8; SYNE1-Related Autosomal Recessive Cerebellar Ataxia; SYNE1 Deficiency; ATAXIA, RECESSIVE, OF BEAUCE. Identifiers: Orphanet 88644, MedGen C1853116, MONDO:0012549, OMIM 610743.

Allele frequency attached by ClinVar (database versions not stated): gnomAD 0.00001 and 0.00013; TOPMed 0.00002; gnomAD exomes 0.00019 and 0.00036; ExAC 0.00046; 1000 Genomes Project 30x 0.00109; 1000 Genomes Project 0.00120.
gnomAD v4.1: 293 of 1,613,148 alleles (0.018%); highest among the groups gnomAD compares: South Asian, 0.31%; no homozygotes.

Submissions (6):

Labcorp Genetics (formerly Invitae), Labcorp
Classification: Likely benign for Emery-Dreifuss muscular dystrophy 4, autosomal dominant; Autosomal recessive ataxia, Beauce type. Last evaluated: 2025-12-30. Review status: criteria provided, single submitter. Criteria: Invitae Variant Classification Sherloc (09022015). Collection method: clinical testing. Allele origin: germline.

Blueprint Genetics
Classification: Uncertain significance. Last evaluated: 2024-10-24. Review status: criteria provided, single submitter. Criteria: ACMG Guidelines, 2015. Collection method: clinical testing. Allele origin: germline.

PreventionGenetics, part of Exact Sciences
Classification: Uncertain significance for SYNE1-related condition. Last evaluated: 2023-02-15. Review status: criteria provided, single submitter. Criteria: ACMG Guidelines, 2015. Collection method: clinical testing. Allele origin: germline.
Comment: The SYNE1 c.17320G>A variant is predicted to result in the amino acid substitution p.Val5774Met. To our knowledge, this variant has not been reported in the literature. This variant is reported in 0.28% of alleles in individuals of South Asian descent in gnomAD, which may be too common to be a primary cause of disease. Although we suspect that this variant may be benign, at this time, the clinical significance of this variant is uncertain due to the absence of conclusive functional and genetic evidence.

Athena Diagnostics
Classification: Uncertain significance. Last evaluated: 2018-05-08. Review status: criteria provided, single submitter. Criteria: Athena Diagnostics Criteria. Collection method: clinical testing. Allele origin: germline.

GeneDx
Classification: Uncertain significance. Last evaluated: 2017-04-19. Review status: criteria provided, single submitter. Criteria: GeneDx Variant Classification (06012015). Collection method: clinical testing. Allele origin: germline. Affected: yes.
Comment: A variant of uncertain significance has been identified in the SYNE1 gene. The V5774M variant has not been published as a pathogenic variant, nor has it been reported as a benign variant to our knowledge. The V5774M variant is observed in 51/15508 (0.3%) alleles from individuals of South Asian background, (Lek et al., 2016; 1000 Genomes Consortium et al., 2015; Exome Variant Server). The V5774M variant is a conservative amino acid substitution, which is not likely to impact secondary protein structure as these residues share similar properties. However, this substitution occurs at a position that is conserved across species and in silico analysis predicts this variant is probably damaging to the protein structure/function. Therefore, based on the currently available information, it is unclear whether this variant is a pathogenic variant or a rare benign variant.

Eurofins Ntd Llc (ga)
Classification: Uncertain significance. Last evaluated: 2016-08-10. Review status: criteria provided, single submitter. Criteria: EGL Classification Definitions 2015. Collection method: clinical testing. Allele origin: germline. Observed: 1 variant allele, 1 heterozygote.